The following is an entry in ClinVar:

NM_002067.5(GNA11):c.255C>T (p.Thr85=)

Gene: GNA11 (G protein subunit alpha 11; plus strand). Cytogenetic location: 19p13.3.
Variant type: single nucleotide variant.
Coding change: c.255C>T on transcript NM_002067.5 (MANE Select); coding-DNA position 255, C replaced by T.
Protein change: p.Thr85=; no amino-acid change (threonine 85 retained).
Molecular consequence: synonymous variant.
Genome position (GRCh38, 1-based): chr19:3,110,267, C>T. VCF-style: chr19-3110267-C-T. GRCh37 (hg19) VCF-style: chr19-3110265-C-T.
Other names: c.255C>T (NM_002067.4).
Identifiers: ClinVar variation 1596006 (VCV001596006.9), dbSNP rs140204057, ClinGen allele CA9074770.

ClinVar aggregate classification (germline): Likely benign. Review status: criteria provided, multiple submitters, no conflicts (2 of 4 stars). 2 submissions from 2 submitters: Likely benign (2). Last evaluated 2026-01-07.

Conditions:
GNA11-related disorder. Also called: GNA11-related condition.

Allele frequency attached by ClinVar (database versions not stated): gnomAD 0.00002 and 0.00003; gnomAD exomes 0.00003 and 0.00006; TOPMed 0.00003; ExAC 0.00005; 1000 Genomes Project 30x 0.00016; 1000 Genomes Project 0.00020.

Submissions (2):

Labcorp Genetics (formerly Invitae), Labcorp
Classification: Likely benign. Last evaluated: 2026-01-07. Review status: criteria provided, single submitter. Criteria: Invitae Variant Classification Sherloc (09022015). Collection method: clinical testing. Allele origin: germline.

PreventionGenetics, part of Exact Sciences
Classification: Likely benign for GNA11-related condition. Last evaluated: 2024-12-31. Review status: criteria provided, single submitter. Criteria: ACMG Guidelines, 2015. Collection method: clinical testing. Allele origin: germline.
Comment: This variant is classified as likely benign based on ACMG/AMP sequence variant interpretation guidelines (Richards et al. 2015 PMID: 25741868, with internal and published modifications).